The following is an entry in ClinVar:

NM_001365951.3(KIF1B):c.2985C>T (p.Ile995=)

Gene: KIF1B (kinesin family member 1B; plus strand). Cytogenetic location: 1p36.22.
Variant type: single nucleotide variant.
Coding change: c.2985C>T on transcript NM_001365951.3 (MANE Select); coding-DNA position 2985, C replaced by T.
Protein change: p.Ile995=; no amino-acid change (isoleucine 995 retained).
Molecular consequence: synonymous variant.
Genome position (GRCh38, 1-based): chr1:10,334,580, C>T. VCF-style: chr1-10334580-C-T. GRCh37 (hg19) VCF-style: chr1-10394638-C-T.
Other names: c.2985C>T, p.Ile995= (NM_001365952.1); c.2847C>T, p.Ile949= (NM_015074.3).
Identifiers: ClinVar variation 291564 (VCV000291564.45), dbSNP rs150904940, ClinGen allele CA581660.
Genomic context (GRCh38, chr1:10,334,580, plus strand): 5'-GGCATTTGTTTACCTGAGCAATCTGCTGTATCCCGTGCCCCTGATCCACAGGGTGGCCAT[C>T]GTCAGTGAGAAAGGTGAAGTGCGGGGATTTCTGCGTGTGGCTGTACAGGCCATCGCAGGT-3'
Protein context (NP_001352880.1, residues 985-1005): YPVPLIHRVA[Ile995=]VSEKGEVRGF

ClinVar aggregate classification (germline): Conflicting classifications of pathogenicity. Review status: criteria provided, conflicting classifications (1 of 4 stars). 7 submissions from 7 submitters: Uncertain significance (1); Likely benign (5). 1 of the submissions does not count toward it. Last evaluated 2026-07-01.

Conditions:
Charcot-Marie-Tooth disease. Also called: Charcot-Marie-Tooth Neuropathy; Charcot-Marie-Tooth Hereditary Neuropathy. Identifiers: Orphanet 166, MedGen C0007959, MONDO:0015626.
KIF1B-related disorder. Also called: KIF1B-related condition.
Charcot-Marie-Tooth disease type 2. Also called: Charcot-Marie-Tooth type 2. Identifiers: Orphanet 64746, MedGen C0270914, MONDO:0018993.
Neuroblastoma (NB). Identifiers: Orphanet 635, MedGen C0027819, MeSH D009447, MONDO:0005072, HP:0003006.

Allele frequency attached by ClinVar (database versions not stated): ESP Exome Variant Server 0.00031; gnomAD exomes 0.00008 and 0.00029; ExAC 0.00010; TOPMed 0.00014; gnomAD 0.00016 and 0.00018.
gnomAD v4.1: 462 of 1,613,952 alleles (0.029%); highest among the groups gnomAD compares: Non-Finnish European, 0.036%; no homozygotes.

Submissions (7):

CeGaT Center for Human Genetics Tuebingen
Classification: Likely benign. Last evaluated: 2026-07-01. Review status: criteria provided, single submitter. Criteria: CeGaT Center For Human Genetics Tuebingen Variant Classification Criteria Version 2. Collection method: clinical testing. Allele origin: germline. Affected: yes. Observed: 3 variant alleles.
Comment: KIF1B: BP4, BP7

Labcorp Genetics (formerly Invitae), Labcorp
Classification: Likely benign for Charcot-Marie-Tooth disease type 2. Last evaluated: 2025-12-14. Review status: criteria provided, single submitter. Criteria: Invitae Variant Classification Sherloc (09022015). Collection method: clinical testing. Allele origin: germline.

Blueprint Genetics
Classification: Likely benign. Last evaluated: 2024-03-26. Review status: criteria provided, single submitter. Criteria: ACMG Guidelines, 2015. Collection method: clinical testing. Allele origin: germline.

Ambry Genetics
Classification: Likely benign. Last evaluated: 2020-08-06. Review status: criteria provided, single submitter. Criteria: Ambry Variant Classification Scheme 2023. Collection method: clinical testing. Allele origin: germline.

Illumina Laboratory Services, Illumina
Classification: Uncertain significance for Neuroblastoma. Last evaluated: 2018-01-12. Review status: criteria provided, single submitter. Criteria: ICSL Variant Classification Criteria 13 December 2019. Collection method: clinical testing. Allele origin: germline.

Molecular Genetics Laboratory, London Health Sciences Centre
Classification: Likely benign for Charcot-Marie-Tooth disease. Review status: criteria provided, single submitter. Criteria: ACMG Guidelines, 2015. Collection method: clinical testing. Allele origin: germline. Affected: yes.

PreventionGenetics, part of Exact Sciences
Classification: Likely benign for KIF1B-related condition. Last evaluated: 2021-11-08. Review status: no assertion criteria provided. Collection method: clinical testing. Allele origin: germline. Not counted in ClinVar's aggregate classification.
Comment: This variant is classified as likely benign based on ACMG/AMP sequence variant interpretation guidelines (Richards et al. 2015 PMID: 25741868, with internal and published modifications).